The following is an entry in ClinVar:

ClinVar aggregate classification (germline): Uncertain significance (1 of 4 stars; one submission).

Conditions:
Spondyloenchondrodysplasia with immune dysregulation (SPENCDI). Also called: SPONDYLOENCHONDRODYSPLASIA WITH OR WITHOUT IMMUNE DYSREGULATION; COMBINED IMMUNODEFICIENCY WITH AUTOIMMUNITY AND SPONDYLOMETAPHYSEAL DYSPLASIA; ROIFMAN IMMUNOSKELETAL SYNDROME. Identifiers: Orphanet 1855, MedGen C1842763, MONDO:0011939, OMIM 607944.

Allele frequency attached by ClinVar (database versions not stated): gnomAD exomes 0.00001 and 0.00002; ExAC 0.00002; gnomAD 0.00003; TOPMed 0.00003.
gnomAD v4.1: 22 of 1,614,016 alleles (0.0014%); highest among the groups gnomAD compares: East Asian, 0.0067%; no homozygotes.

Submission:

Labcorp Genetics (formerly Invitae), Labcorp
Classification: Uncertain significance for Spondyloenchondrodysplasia with immune dysregulation. Last evaluated: 2020-07-29. Review status: criteria provided, single submitter. Criteria: Invitae Variant Classification Sherloc (09022015). Collection method: clinical testing. Allele origin: germline.
Comment: In summary, the available evidence is currently insufficient to determine the role of this variant in disease. Therefore, it has been classified as a Variant of Uncertain Significance. Algorithms developed to predict the effect of missense changes on protein structure and function are either unavailable or do not agree on the potential impact of this missense change (SIFT: "Not Available"; PolyPhen-2: "Probably Damaging"; Align-GVGD: "Not Available"). This variant has been observed in individual(s) with spondyloenchondrodysplasia with immune dysregulation (PMID: 31286717). It has also been observed to segregate with disease in related individuals. This variant is present in population databases (rs780116316, ExAC 0.005%). This sequence change replaces arginine with tryptophan at codon 46 of the ACP5 protein (p.Arg46Trp). The arginine residue is moderately conserved and there is a moderate physicochemical difference between arginine and tryptophan.

Literature cited by the submitters: PubMed 31286717.

NM_001611.5(ACP5):c.136C>T (p.Arg46Trp)

Gene: ACP5 (acid phosphatase 5, tartrate resistant; minus strand). Cytogenetic location: 19p13.2.
Variant type: single nucleotide variant.
Coding change: c.136C>T on transcript NM_001611.5 (MANE Select); coding-DNA position 136, C replaced by T.
Protein change: p.Arg46Trp; replaces arginine 46 with tryptophan.
Molecular consequence: missense variant.
Genome position (GRCh38, 1-based): chr19:11,577,182, G>A on the plus strand (C>T on the coding strand, the complement: ACP5 is on the minus strand). VCF-style: chr19-11577182-G-A. GRCh37 (hg19) VCF-style: chr19-11687997-G-A.
Other names: c.136C>T, p.Arg46Trp (NM_001111034.3, NM_001111035.3, NM_001111036.3 and 1 more transcripts); short protein forms R46W.
Identifiers: ClinVar variation 1053698 (VCV001053698.5), dbSNP rs780116316, ClinGen allele CA9215518.
Genomic context (GRCh38, chr19:11,577,182, plus strand): 5'-TGAAGTCTGCACCCAGGATCTGCACAGTCCGAGCGATCTCCTTGGCATTGGCCATTTCCC[G>A]GGCCGTGTGGAATGGGGCATTGGGGACCCCTCCCCAGTCACCCACGGCTACAAAGCGCAG-3'
Protein context (NP_001602.1, residues 36-56): GVPNAPFHTA[Arg46Trp]EMANAKEIAR